The following is an entry in ClinVar:

ClinVar aggregate classification (germline): Likely benign. Review status: no assertion criteria provided (0 of 4 stars). 2 submissions from 2 submitters: Likely benign (2). Last evaluated 2019-05-13.

Conditions:
Hereditary cancer-predisposing syndrome. Also called: Hereditary Cancer Syndrome; Hereditary neoplastic syndrome; Tumor predisposition; Neoplastic Syndromes, Hereditary. Identifiers: Orphanet 140162, MedGen C0027672, MeSH D009386, MONDO:0015356.
Familial cancer of breast. Also called: BREAST CANCER, FAMILIAL; hereditary breast carcinoma; Hereditary breast cancer. Identifiers: Orphanet 227535, MedGen C0346153, MONDO:0016419, OMIM 114480. Disease mechanism: loss of function.

Allele frequency attached by ClinVar (database versions not stated): ExAC 0.00001; gnomAD exomes 0.00001; gnomAD 0.00004 and 0.00005; TOPMed 0.00005.
gnomAD v4.1: 44 of 1,406,984 alleles (0.0031%); highest among the groups gnomAD compares: Non-Finnish European, 0.0043%; no homozygotes.

Submissions (3):

Leiden Open Variation Database
Classification: Likely benign for Familial cancer of breast. Last evaluated: 2019-05-13. Review status: no assertion criteria provided. Collection method: curation. Allele origin: germline. Affected: yes.
Comment: Curators: Marc Tischkowitz, Arleen D. Auerbach. Submitter to LOVD: Marc Tischkowitz.

University of Washington Department of Laboratory Medicine, University of Washington
Classification: Likely benign for Hereditary cancer-predisposing syndrome. Last evaluated: 2015-12-01. Review status: no assertion criteria provided. Collection method: clinical testing. Allele origin: germline. Affected: yes.

Dr. Peter K. Rogan Lab, Western University
No classification provided (evidence only). Condition: Ovarian serous cystadenocarcinoma. Review status: no classification provided. Collection method: in vitro. Allele origin: not applicable. Functional consequence: retained intron. Not counted in ClinVar's aggregate classification.

Literature cited by the submitters: PubMed 22241545 (cited by Leiden Open Variation Database).

NM_024675.4(PALB2):c.3114-42G>T

Gene: PALB2 (partner and localizer of BRCA2; minus strand). Cytogenetic location: 16p12.2.
Variant type: single nucleotide variant.
Coding change: c.3114-42G>T on transcript NM_024675.4 (MANE Select); 42 bases into the intron before coding-DNA position 3114, G replaced by T.
Molecular consequence: intron variant.
Genome position (GRCh38, 1-based): chr16:23,614,133, C>A on the plus strand (G>T on the coding strand, the complement: PALB2 is on the minus strand). VCF-style: chr16-23614133-C-A. GRCh37 (hg19) VCF-style: chr16-23625454-C-A.
Identifiers: ClinVar variation 126713 (VCV000126713.6), dbSNP rs515726106, ClinGen allele CA269599.